The following is an entry in ClinVar:

NM_001366385.1(CARD14):c.1487C>A (p.Pro496His)

Gene: CARD14 (caspase recruitment domain family member 14; plus strand). Cytogenetic location: 17q25.3.
Variant type: single nucleotide variant.
Coding change: c.1487C>A on transcript NM_001366385.1 (MANE Select); coding-DNA position 1487, C replaced by A.
Protein change: p.Pro496His; replaces proline 496 with histidine.
Molecular consequence: missense variant. On other transcripts: non-coding transcript variant (1).
Genome position (GRCh38, 1-based): chr17:80,195,321, C>A. VCF-style: chr17-80195321-C-A. GRCh37 (hg19) VCF-style: chr17-78169120-C-A.
Other names: c.1487C>A, p.Pro496His (NM_001257970.1, NM_024110.4); c.776C>A, p.Pro259His (NM_052819.3); short protein forms P259H, P496H.
Identifiers: ClinVar variation 2947282 (VCV002947282.3), dbSNP rs2040672145, ClinGen allele CA401349225.

ClinVar aggregate classification (germline): Uncertain significance (1 of 4 stars; one submission).

Conditions:
Pityriasis rubra pilaris (PRP). Also called: Pityriasis rubra pilaris--familial type. Identifiers: Orphanet 2897, MedGen C0032027, MONDO:0100017, OMIM 173200, MONDO:0008251.
Psoriasis 2. Identifiers: MedGen C1864497, MONDO:0011269, OMIM 602723.

Submission:

Labcorp Genetics (formerly Invitae), Labcorp
Classification: Uncertain significance for Pityriasis rubra pilaris; Psoriasis 2. Last evaluated: 2023-04-28. Review status: criteria provided, single submitter. Criteria: Invitae Variant Classification Sherloc (09022015). Collection method: clinical testing. Allele origin: germline.
Comment: This variant has not been reported in the literature in individuals affected with CARD14-related conditions. This variant is not present in population databases (gnomAD no frequency). This sequence change replaces proline, which is neutral and non-polar, with histidine, which is basic and polar, at codon 496 of the CARD14 protein (p.Pro496His). Advanced modeling of protein sequence and biophysical properties (such as structural, functional, and spatial information, amino acid conservation, physicochemical variation, residue mobility, and thermodynamic stability) has been performed at Invitae for this missense variant, however the output from this modeling did not meet the statistical confidence thresholds required to predict the impact of this variant on CARD14 protein function. In summary, the available evidence is currently insufficient to determine the role of this variant in disease. Therefore, it has been classified as a Variant of Uncertain Significance.